The following is an entry in ClinVar:

NM_198129.4(LAMA3):c.8851C>T (p.Arg2951Cys)

Gene: LAMA3 (laminin subunit alpha 3; plus strand). Cytogenetic location: 18q11.2.
Variant type: single nucleotide variant.
Coding change: c.8851C>T on transcript NM_198129.4 (MANE Select); coding-DNA position 8851, C replaced by T.
Protein change: p.Arg2951Cys; replaces arginine 2951 with cysteine.
Molecular consequence: missense variant.
Genome position (GRCh38, 1-based): chr18:23,933,924, C>T. VCF-style: chr18-23933924-C-T. GRCh37 (hg19) VCF-style: chr18-21513888-C-T.
Other names: c.4024C>T, p.Arg1342Cys (NM_000227.6); c.8683C>T, p.Arg2895Cys (NM_001127717.4); c.3856C>T, p.Arg1286Cys (NM_001127718.4); short protein forms R1342C, R2951C, R1286C, R2895C.
Identifiers: ClinVar variation 555996 (VCV000555996.16), dbSNP rs61752346, ClinGen allele CA8917013.

ClinVar aggregate classification (germline): Conflicting classifications of pathogenicity. Review status: criteria provided, conflicting classifications (1 of 4 stars). 7 submissions from 6 submitters: Uncertain significance (5); Likely benign (1). 1 of the submissions does not count toward it. Last evaluated 2026-02-02.

Conditions:
Junctional epidermolysis bullosa gravis of Herlitz. Also called: EPIDERMOLYSIS BULLOSA, JUNCTIONAL 1B, SEVERE; Epidermolysis Bullosa Letalis; Herlitz-type junctional epidermolysis bullosa; EPIDERMOLYSIS BULLOSA JUNCTIONALIS, HERLITZ TYPE; EPIDERMOLYSIS BULLOSA, JUNCTIONAL, HERLITZ-PEARSON TYPE; JEB-HERLITZ TYPE. Identifiers: Orphanet 79404, MedGen C0079683, MONDO:0009182, OMIM 226700.
LAMA3-related disorder. Also called: LAMA3-related disorders; LAMA3-related condition.
Laryngo-onycho-cutaneous syndrome (JEB2C). Also called: SHABBIR SYNDROME; EPIDERMOLYSIS BULLOSA, JUNCTIONAL 2C, LARYNGOONYCHOCUTANEOUS; LOGIC SYNDROME. Identifiers: Orphanet 2407, MedGen C1328355, MONDO:0009513, OMIM 245660.

Allele frequency attached by ClinVar (database versions not stated): ESP Exome Variant Server 0.00231; gnomAD exomes 0.00263 and 0.00104; 1000 Genomes Project 0.00040; 1000 Genomes Project 30x 0.00047; ExAC 0.00088; gnomAD 0.00141 and 0.00147; TOPMed 0.00153.
gnomAD v4.1: 3,979 of 1,614,022 alleles (0.25%); highest among the groups gnomAD compares: Non-Finnish European, 0.32%; 10 homozygotes.

Submissions (7):

Labcorp Genetics (formerly Invitae), Labcorp
Classification: Likely benign. Last evaluated: 2026-02-02. Review status: criteria provided, single submitter. Criteria: Invitae Variant Classification Sherloc (09022015). Collection method: clinical testing. Allele origin: germline.

PreventionGenetics, part of Exact Sciences
Classification: Uncertain significance for LAMA3-related condition. Last evaluated: 2025-10-11. Review status: criteria provided, single submitter. Criteria: ACMG Guidelines, 2015. Collection method: clinical testing. Allele origin: germline.
Comment: The LAMA3 c.4024C>T variant is predicted to result in the amino acid substitution p.Arg1342Cys. This variant, also known in the literature as p.Arg1331Cys, was reported in the compound heterozygous state with the c.4651+1G>A variant in an individual with junctional epidermolysis bullosa (Patient 27 in Nakano et al. 2002. PubMed ID: 11810295). This variant is reported in 0.20% of alleles in individuals of European (non-Finnish) descent in gnomAD. At this time the clinical significance of this variant is uncertain due to the absence of conclusive functional and genetic evidence.

Blueprint Genetics
Classification: Uncertain significance. Last evaluated: 2024-11-07. Review status: criteria provided, single submitter. Criteria: ACMG Guidelines, 2015. Collection method: clinical testing. Allele origin: germline.

Women's Health and Genetics/Laboratory Corporation of America, LabCorp
Classification: Uncertain significance. Last evaluated: 2022-03-07. Review status: criteria provided, single submitter. Criteria: LabCorp Variant Classification Summary - May 2015. Collection method: clinical testing. Allele origin: germline.
Comment: Variant summary: LAMA3 c.4024C>T (p.Arg1342Cys) results in a non-conservative amino acid change in the encoded protein sequence. Three of five in-silico tools predict a benign effect of the variant on protein function. The variant allele was found at a frequency of 0.001 in 251434 control chromosomes. The observed variant frequency is approximately 1.2 fold of the estimated maximal expected allele frequency for a pathogenic variant in LAMA3 causing Junctional Epidermolysis Bullosa phenotype (0.00087), strongly suggesting that the variant is benign. c.4024C>T has been reported in the literature as R1331C in at-least one individual affected with a mild clinical manifestation of Junctional Epidermolysis Bullosa with normal hemidesmosome by electron microscopy and normal Laminin 5 staining by immunofluorescence (example, Nakano_2002). These data do not allow any conclusion about variant significance. To our knowledge, no experimental evidence demonstrating an impact on protein function has been reported. Two clinical diagnostic laboratories have submitted clinical-significance assessments for this variant to ClinVar after 2014 without evidence for independent evaluation. All laboratories classified the variant as uncertain significance. Based on the evidence outlined above, the variant was classified as VUS-possibly benign.

Illumina Laboratory Services, Illumina
Classification: Uncertain significance for Laryngo-onycho-cutaneous syndrome. Last evaluated: 2017-04-27. Review status: criteria provided, single submitter. Criteria: ICSL Variant Classification Criteria 13 December 2019. Collection method: clinical testing. Allele origin: germline.

Illumina Laboratory Services, Illumina
Classification: Uncertain significance for Junctional epidermolysis bullosa gravis of Herlitz. Last evaluated: 2017-04-27. Review status: criteria provided, single submitter. Criteria: ICSL Variant Classification Criteria 13 December 2019. Collection method: clinical testing. Allele origin: germline.

Counsyl
Classification: Uncertain significance for Junctional epidermolysis bullosa gravis of Herlitz. Last evaluated: 2018-01-05. Review status: no assertion criteria provided. Collection method: clinical testing. Allele origin: unknown. Not counted in ClinVar's aggregate classification.

Literature cited by the submitters: PubMed 11810295 (cited by Women's Health and Genetics/Laboratory Corporation of America, LabCorp and Counsyl).